The following is an entry in ClinVar:

NM_000264.5(PTCH1):c.1894G>A (p.Asp632Asn)

Genes: PTCH1 (patched 1; minus strand), LOC100507346 (uncharacterized LOC100507346; plus strand). Cytogenetic location: 9q22.32.
Variant type: single nucleotide variant.
Coding change: c.1894G>A on transcript NM_000264.5 (MANE Select); coding-DNA position 1894, G replaced by A.
Protein change: p.Asp632Asn; replaces aspartic acid 632 with asparagine.
Molecular consequence: missense variant. On other transcripts: non-coding transcript variant (2).
Genome position (GRCh38, 1-based): chr9:95,469,107, C>T on the plus strand (G>A on the coding strand, the complement: PTCH1 is on the minus strand). VCF-style: chr9-95469107-C-T. GRCh37 (hg19) VCF-style: chr9-98231389-C-T.
Other names: c.1696G>A, p.Asp566Asn (NM_001083602.3); c.1891G>A, p.Asp631Asn (NM_001083603.3); c.1441G>A, p.Asp481Asn (NM_001083604.3, NM_001083605.3, NM_001083606.3 and 1 more transcripts); c.1738G>A, p.Asp580Asn (NM_001354918.2); c.1894G>A (NM_000264.4); short protein forms D632N, D566N, D481N, D631N, D580N.
Identifiers: ClinVar variation 524559 (VCV000524559.17), dbSNP rs559293815, ClinGen allele CA5138488.

ClinVar aggregate classification (germline): Conflicting classifications of pathogenicity. Review status: criteria provided, conflicting classifications (1 of 4 stars). 5 submissions from 5 submitters: Uncertain significance (3); Benign (1); Likely benign (1). Last evaluated 2025-12-27.

Conditions:
Holoprosencephaly 7 (HPE7). Identifiers: Orphanet 2162, MedGen C1835820, MONDO:0012562, OMIM 610828.
Basal cell nevus syndrome 1 (BCNS1). Also called: GORLIN-GOLTZ SYNDROME; MULTIPLE BASAL CELL NEVI, ODONTOGENIC KERATOCYSTS, AND SKELETAL ANOMALIES. Identifiers: MedGen CN376810, MONDO:0958174, OMIM 109400.
Basal cell carcinoma, susceptibility to, 1. Also called: BCC1. Identifiers: MedGen C2751544, MONDO:0011556, OMIM 605462.
Hereditary cancer-predisposing syndrome. Also called: Neoplastic Syndromes, Hereditary; Tumor predisposition; Hereditary Cancer Syndrome; Hereditary neoplastic syndrome. Identifiers: Orphanet 140162, MedGen C0027672, MeSH D009386, MONDO:0015356.
Gorlin syndrome. Also called: Nevoid Basal Cell Carcinoma Syndrome; Basal cell nevus syndrome. Identifiers: Orphanet 377, MedGen C0004779, MONDO:0007187.

Allele frequency attached by ClinVar (database versions not stated): ExAC 0.00001; gnomAD exomes 0.00002 and 0.00006; TOPMed 0.00002; gnomAD 0.00004 and 0.00005; 1000 Genomes Project 0.00020; 1000 Genomes Project 30x 0.00031.
gnomAD v4.1: 102 of 1,613,902 alleles (0.0063%); highest among the groups gnomAD compares: Non-Finnish European, 0.0081%; no homozygotes.

Submissions (5):

Labcorp Genetics (formerly Invitae), Labcorp
Classification: Benign for Gorlin syndrome. Last evaluated: 2025-12-27. Review status: criteria provided, single submitter. Criteria: Invitae Variant Classification Sherloc (09022015). Collection method: clinical testing. Allele origin: germline.

Quest Diagnostics Nichols Institute San Juan Capistrano
Classification: Uncertain significance. Last evaluated: 2025-05-02. Review status: criteria provided, single submitter. Criteria: Quest Diagnostics criteria. Collection method: clinical testing. Allele origin: unknown.
Comment: The PTCH1 c.1894G>A (p.Asp632Asn) variant has been reported in the published literature in an individual with nevoid basal cell carcinoma syndrome and in a reportedly unaffected parent (PMID: 16088933 (2005)). The frequency of this variant in the general population (Genome Aggregation Database) is uninformative in the assessment of its pathogenicity. Analysis of this variant using bioinformatics tools for the prediction of the effect of amino acid changes on protein structure and function yielded predictions that this variant is benign. Based on the available information, we are unable to determine the clinical significance of this variant.

Department of Pathology and Laboratory Medicine, Sinai Health System
Classification: Uncertain significance for Basal cell nevus syndrome 1; Basal cell carcinoma, susceptibility to, 1; Holoprosencephaly 7. Last evaluated: 2022-12-23. Review status: criteria provided, single submitter. Criteria: ACMG Guidelines, 2015. Collection method: clinical testing. Allele origin: germline. Affected: yes.

Ambry Genetics
Classification: Likely benign for Hereditary cancer-predisposing syndrome. Last evaluated: 2021-06-18. Review status: criteria provided, single submitter. Criteria: Ambry Variant Classification Scheme 2023. Collection method: clinical testing. Allele origin: germline.

Women's Health and Genetics/Laboratory Corporation of America, LabCorp
Classification: Uncertain significance. Last evaluated: 2020-05-07. Review status: criteria provided, single submitter. Criteria: LabCorp Variant Classification Summary - May 2015. Collection method: clinical testing. Allele origin: germline.
Comment: Variant summary: PTCH1 c.1894G>A (p.Asp632Asn) results in a conservative amino acid change in the encoded protein sequence. Three of five in-silico tools predict a benign effect of the variant on protein function. The variant allele was found at a frequency of 2e-05 in 251230 control chromosomes (gnomAD). The available data on variant occurrences in the general population are insufficient to allow any conclusion about variant significance. c.1894G>A has been reported in the literature in one individual affected with Nevoid Basal Cell Carcinoma Syndrome as well as in unaffected mother (Marsh_2005). The report does not provide unequivocal conclusions about association of the variant with Nevoid Basal Cell Carcinoma Syndrome (Gorlin Syndrome). To our knowledge, no experimental evidence demonstrating an impact on protein function has been reported. Two ClinVar submitters (evaluation after 2014) cite the variant as uncertain significance. Based on the evidence outlined above, the variant was classified as uncertain significance.

Literature cited by the submitters: PubMed 16088933 (cited by 3 submitters).